The following is an entry in ClinVar:

ClinVar aggregate classification (germline): Uncertain significance (1 of 4 stars; one submission).

Submission:

Labcorp Genetics (formerly Invitae), Labcorp
Classification: Uncertain significance. Last evaluated: 2021-06-02. Review status: criteria provided, single submitter. Criteria: Invitae Variant Classification Sherloc (09022015). Collection method: clinical testing. Allele origin: germline.
Comment: In summary, the available evidence is currently insufficient to determine the role of this variant in disease. Therefore, it has been classified as a Variant of Uncertain Significance. Algorithms developed to predict the effect of missense changes on protein structure and function are either unavailable or do not agree on the potential impact of this missense change (SIFT: "Deleterious"; PolyPhen-2: "Probably Damaging"; Align-GVGD: "Class C15"). This variant has not been reported in the literature in individuals with MPDZ-related conditions. This variant is not present in population databases (ExAC no frequency). This sequence change replaces glutamine with histidine at codon 1412 of the MPDZ protein (p.Gln1412His). The glutamine residue is highly conserved and there is a small physicochemical difference between glutamine and histidine.

NM_001378778.1(MPDZ):c.4236G>C (p.Gln1412His)

Gene: MPDZ (multiple PDZ domain crumbs cell polarity complex component; minus strand). Cytogenetic location: 9p23.
Variant type: single nucleotide variant.
Coding change: c.4236G>C on transcript NM_001378778.1 (MANE Select); coding-DNA position 4236, G replaced by C.
Protein change: p.Gln1412His; replaces glutamine 1412 with histidine.
Molecular consequence: missense variant.
Genome position (GRCh38, 1-based): chr9:13,136,768, C>G on the plus strand (G>C on the coding strand, the complement: MPDZ is on the minus strand). VCF-style: chr9-13136768-C-G. GRCh37 (hg19) VCF-style: chr9-13136767-C-G.
Other names: c.4137G>C, p.Gln1379His (NM_001261406.2, NM_001261407.2, NM_001375416.1 and 3 more transcripts); c.4236G>C, p.Gln1412His (NM_001330637.2, NM_001375413.1, NM_003829.5); c.4026G>C, p.Gln1342His (NM_001375420.1, NM_001375421.1, NM_001375422.1 and 4 more transcripts); c.3828G>C, p.Gln1276His (NM_001375427.1); short protein forms Q1276H, Q1379H, Q1342H, Q1412H.
Identifiers: ClinVar variation 1510423 (VCV001510423.8), dbSNP rs2132298490, ClinGen allele CA372948941.